The following is an entry in ClinVar:

NM_032444.4(SLX4):c.2336T>C (p.Val779Ala)

Gene: SLX4 (SLX4 structure-specific endonuclease subunit; minus strand). Cytogenetic location: 16p13.3.
Variant type: single nucleotide variant.
Coding change: c.2336T>C on transcript NM_032444.4 (MANE Select); coding-DNA position 2336, T replaced by C.
Protein change: p.Val779Ala; replaces valine 779 with alanine.
Molecular consequence: missense variant.
Genome position (GRCh38, 1-based): chr16:3,591,302, A>G on the plus strand (T>C on the coding strand, the complement: SLX4 is on the minus strand). VCF-style: chr16-3591302-A-G. GRCh37 (hg19) VCF-style: chr16-3641303-A-G.
Other names: c.2336T>C (LRG_503t1); short protein forms V779A.
Identifiers: ClinVar variation 436790 (VCV000436790.7), dbSNP rs1555450482, ClinGen allele CA394524135.

ClinVar aggregate classification (germline): Uncertain significance. Review status: criteria provided, multiple submitters, no conflicts (2 of 4 stars). 2 submissions from 2 submitters: Uncertain significance (2). Last evaluated 2025-01-16.

Conditions:
Fanconi anemia complementation group P. Also called: SLX4-Related Fanconi Anemia. Identifiers: Orphanet 84, MedGen C3469542, MONDO:0013499, OMIM 613951.

Submissions (2):

ARUP Laboratories, Molecular Genetics and Genomics, ARUP Laboratories
Classification: Uncertain significance for Fanconi anemia complementation group P. Last evaluated: 2025-01-16. Review status: criteria provided, single submitter. Criteria: ARUP Molecular Germline Variant Investigation Process 2024. Collection method: clinical testing. Allele origin: germline.
Comment: The SLX4 c.2336T>C; p.Val779Ala variant (rs1555450482), to our knowledge, is not reported in the medical literature but is reported in ClinVar (Variation ID: 436790). This variant is absent from the Genome Aggregation Database (v2.1.1), indicating it is not a common polymorphism. Computational analyses are uncertain whether this variant is neutral or deleterious (REVEL: 0.436). Due to limited information, the clinical significance of this variant is uncertain at this time.

Genetic Services Laboratory, University of Chicago
Classification: Uncertain significance. Last evaluated: 2017-04-17. Review status: criteria provided, single submitter. Criteria: ACMG Guidelines, 2015. Collection method: clinical testing. Allele origin: germline. Affected: no.